The following is an entry in ClinVar:

NM_000168.6(GLI3):c.4033_4036dup (p.Gly1346fs)

Gene: GLI3 (GLI family zinc finger 3; minus strand). Cytogenetic location: 7p14.1.
Variant type: Duplication.
Coding change: c.4033_4036dup on transcript NM_000168.6 (MANE Select); coding-DNA positions 4033 to 4036, 4 bases duplicated (CTTG; older notation c.4033_4036dupCTTG).
Protein change: p.Gly1346fs; shifts the reading frame from glycine 1346.
Molecular consequence: frameshift variant.
Genome position (GRCh38, 1-based): chr7:41,965,037-41,965,040, CAAG duplicated on the plus strand (CTTG on the coding strand, the reverse complement: GLI3 is on the minus strand); duplicating any 4 consecutive bases within chr7:41,965,037-41,965,042 gives the same sequence; the c. name uses the placement nearest the transcript's 3' end. VCF-style (leftmost placement, unchanged base first): chr7-41965036-C-CCAAG. GRCh37 (hg19) VCF-style: chr7-42004634-C-CCAAG.
Other names: short protein forms G1346fs.
Identifiers: ClinVar variation 4784908 (VCV004784908.1).
Genomic context (GRCh38, chr7:41,965,036, plus strand): 5'-CCTGGCAGGCAGCTCTCTGGCCCTTGGTAGATGTTGATGTGTGAGGTAGCACTAATCTGC[C>CCAAG]CAAGCATCTGCTGACCGGGGCGGCCTGCCCCCGGGTGCTGCATGCTGTCGCCGAGGAGCT-3'

ClinVar aggregate classification (germline): Pathogenic (1 of 4 stars; one submission).

Conditions:
Pallister-Hall syndrome (PHS). Also called: GLI3-Related Pallister-Hall Syndrome; HYPOTHALAMIC HAMARTOBLASTOMA, HYPOPITUITARISM, IMPERFORATE ANUS, AND POSTAXIAL POLYDACTYLY. Identifiers: Orphanet 672, MedGen C0265220, MONDO:0007804, OMIM 146510.
Greig cephalopolysyndactyly syndrome (GCPS). Also called: POLYSYNDACTYLY WITH PECULIAR SKULL SHAPE; Greig syndrome; GLI3-Related Greig Cephalopolysyndactyly Syndrome. Identifiers: Orphanet 380, MedGen C0265306, MONDO:0008287, OMIM 175700.

Submission:

Labcorp Genetics (formerly Invitae), Labcorp
Classification: Pathogenic for Pallister-Hall syndrome; Greig cephalopolysyndactyly syndrome. Last evaluated: 2025-05-04. Review status: criteria provided, single submitter. Criteria: Invitae Variant Classification Sherloc (09022015). Collection method: clinical testing. Allele origin: germline.
Comment: This sequence change creates a premature translational stop signal (p.Gly1346Alafs*5) in the GLI3 gene. While this is not anticipated to result in nonsense mediated decay, it is expected to disrupt the last 235 amino acid(s) of the GLI3 protein. This variant is not present in population databases (gnomAD no frequency). This variant has not been reported in the literature in individuals affected with GLI3-related conditions. This variant disrupts a region of the GLI3 protein in which other variant(s) (p.Thr1488Lysfs*23) have been determined to be pathogenic (PMID: 24736735). This suggests that this is a clinically significant region of the protein, and that variants that disrupt it are likely to be disease-causing. For these reasons, this variant has been classified as Pathogenic.

Literature cited by the submitters: PubMed 24736735.